The following is an entry in ClinVar:

ClinVar aggregate classification (germline): Benign/Likely benign. Review status: criteria provided, multiple submitters, no conflicts (2 of 4 stars). 5 submissions from 5 submitters: Benign (1); Likely benign (4). Last evaluated 2026-06-03.

Conditions:
KIT-related disorder. Also called: KIT-related condition.
Hereditary cancer-predisposing syndrome. Also called: Hereditary Cancer Syndrome; Tumor predisposition; Hereditary neoplastic syndrome; Neoplastic Syndromes, Hereditary. Identifiers: Orphanet 140162, MedGen C0027672, MeSH D009386, MONDO:0015356.
Gastrointestinal stromal tumor. Also called: Gastrointestinal stroma tumor; Gastrointestinal stromal tumor, somatic. Identifiers: Orphanet 44890, MedGen C0238198, MeSH D046152, MONDO:0011719, OMIM 606764, HP:0100723.

Allele frequency attached by ClinVar (database versions not stated): 1000 Genomes Project 0.00020; gnomAD exomes 0.00005 and 0.00006; TOPMed 0.00006; ExAC 0.00008; gnomAD 0.00008; ESP Exome Variant Server 0.00015; 1000 Genomes Project 30x 0.00016.
gnomAD v4.1: 76 of 1,611,610 alleles (0.0047%); highest among the groups gnomAD compares: Non-Finnish European, 0.0061%; no homozygotes.

Submissions (5):

Myriad Genetics, Inc.
Classification: Benign for Gastrointestinal stromal tumor. Last evaluated: 2026-06-03. Review status: criteria provided, single submitter. Criteria: Myriad Autosomal Dominant, Autosomal Recessive and X-Linked Classification Criteria (2023). Collection method: clinical testing. Allele origin: unknown.
Comment: This variant is considered benign. This variant is a silent/synonymous amino acid change and it is not expected to impact splicing.

Labcorp Genetics (formerly Invitae), Labcorp
Classification: Likely benign for Gastrointestinal stromal tumor. Last evaluated: 2026-01-13. Review status: criteria provided, single submitter. Criteria: Invitae Variant Classification Sherloc (09022015). Collection method: clinical testing. Allele origin: germline.

PreventionGenetics, part of Exact Sciences
Classification: Likely benign for KIT-related condition. Last evaluated: 2025-06-26. Review status: criteria provided, single submitter. Criteria: ACMG Guidelines, 2015. Collection method: clinical testing. Allele origin: germline.
Comment: This variant is classified as likely benign based on ACMG/AMP sequence variant interpretation guidelines (Richards et al. 2015 PMID: 25741868, with internal and published modifications).

Blueprint Genetics
Classification: Likely benign. Last evaluated: 2024-02-23. Review status: criteria provided, single submitter. Criteria: ACMG Guidelines, 2015. Collection method: clinical testing. Allele origin: germline.

Ambry Genetics
Classification: Likely benign for Hereditary cancer-predisposing syndrome. Last evaluated: 2019-09-18. Review status: criteria provided, single submitter. Criteria: Ambry Variant Classification Scheme 2023. Collection method: clinical testing. Allele origin: germline.

NM_000222.3(KIT):c.1095T>A (p.Ser365=)

Gene: KIT (KIT proto-oncogene, receptor tyrosine kinase; plus strand). Cytogenetic location: 4q12.
Variant type: single nucleotide variant.
Coding change: c.1095T>A on transcript NM_000222.3 (MANE Select); coding-DNA position 1095, T replaced by A.
Protein change: p.Ser365=; no amino-acid change (serine 365 retained).
Molecular consequence: synonymous variant.
Genome position (GRCh38, 1-based): chr4:54,707,267, T>A. VCF-style: chr4-54707267-T-A. GRCh37 (hg19) VCF-style: chr4-55573433-T-A.
Other names: c.1095T>A, p.Ser365= (NM_001093772.2, NM_001385285.1, NM_001385286.1); c.1098T>A, p.Ser366= (NM_001385284.1, NM_001385288.1, NM_001385290.1 and 1 more transcripts).
Identifiers: ClinVar variation 415811 (VCV000415811.19), dbSNP rs142963781, ClinGen allele CA2923363.